The following is an entry in ClinVar:

ClinVar aggregate classification (germline): Uncertain significance (1 of 4 stars; one submission).

Conditions:
Cardiovascular phenotype. Identifiers: MedGen CN230736.

gnomAD v4.1: 1 of 1,614,074 alleles (0.000062%); highest among the groups gnomAD compares: South Asian, 0.0011%; no homozygotes.

Submission:

Ambry Genetics
Classification: Uncertain significance for Cardiovascular phenotype. Last evaluated: 2025-04-05. Review status: criteria provided, single submitter. Criteria: Ambry Variant Classification Scheme 2023. Collection method: clinical testing. Allele origin: germline.
Comment: The p.N2916S variant (also known as c.8747A>G), located in coding exon 38 of the ANK2 gene, results from an A to G substitution at nucleotide position 8747. The asparagine at codon 2916 is replaced by serine, an amino acid with highly similar properties. This amino acid position is conserved. In addition, this alteration is predicted to be tolerated by in silico analysis. Based on the available evidence, the clinical significance of this variant remains unclear.

NM_001148.6(ANK2):c.8747A>G (p.Asn2916Ser)

Gene: ANK2 (ankyrin 2; plus strand). Cytogenetic location: 4q26.
Variant type: single nucleotide variant.
Coding change: c.8747A>G on transcript NM_001148.6 (MANE Select); coding-DNA position 8747, A replaced by G.
Protein change: p.Asn2916Ser; replaces asparagine 2916 with serine.
Molecular consequence: missense variant. On other transcripts: intron variant (68).
Genome position (GRCh38, 1-based): chr4:113,357,365, A>G. VCF-style: chr4-113357365-A-G. GRCh37 (hg19) VCF-style: chr4-114278521-A-G.
Other names: c.8513A>G, p.Asn2838Ser (NM_001386142.1); c.5147A>G, p.Asn1716Ser (NM_001386166.1); c.8888A>G, p.Asn2963Ser (NM_001386174.1); c.8864A>G, p.Asn2955Ser (NM_001386175.1); c.4412-3458A>G (NM_001386186.2, NM_001386148.2); c.4214-3458A>G (NM_001354269.3); c.4292-3458A>G (NM_001386187.2); c.4253-3458A>G (NM_001386147.1); and 35 more; short protein forms N2955S, N1716S, N2838S, N2916S, N2963S.
Identifiers: ClinVar variation 4050891 (VCV004050891.1).